The following is an entry in ClinVar:

ClinVar aggregate classification (germline): Uncertain significance (1 of 4 stars; one submission).

Conditions:
UMOD-related disorder. Also called: UMOD-related condition.

Submission:

PreventionGenetics, part of Exact Sciences
Classification: Uncertain significance for UMOD-related condition. Last evaluated: 2025-03-02. Review status: criteria provided, single submitter. Criteria: ACMG Guidelines, 2015. Collection method: clinical testing. Allele origin: germline.
Comment: The UMOD c.808G>C variant is predicted to result in the amino acid substitution p.Gly270Arg. To our knowledge, this variant has not been reported in the literature or in a large population database (gnomAD), indicating this variant is rare. The p.Gly270 residue is highly conserved. Of note, a different substitution at the same codon, defined as c.808G>T (p.Gly270Cys), has been reported to be pathogenic for autosomal dominant tubulointerstitial kidney disease (ADTKD) (Nasr et al. 2008. PubMed ID: 18004297; Suppl. Table S1, Olinger et al. 2020. PubMed ID: 32450155). Although we suspect that the c.808G>C (p.Gly270Arg) variant may be pathogenic, at this time, the clinical significance of this variant is uncertain due to the absence of conclusive functional and genetic evidence.

NM_003361.4(UMOD):c.808G>C (p.Gly270Arg)

Gene: UMOD (uromodulin; minus strand). Cytogenetic location: 16p12.3.
Variant type: single nucleotide variant.
Coding change: c.808G>C on transcript NM_003361.4 (MANE Select); coding-DNA position 808, G replaced by C.
Protein change: p.Gly270Arg; replaces glycine 270 with arginine.
Molecular consequence: missense variant. On other transcripts: non-coding transcript variant (1).
Genome position (GRCh38, 1-based): chr16:20,348,493, C>G on the plus strand (G>C on the coding strand, the complement: UMOD is on the minus strand). VCF-style: chr16-20348493-C-G. GRCh37 (hg19) VCF-style: chr16-20359815-C-G.
Other names: c.808G>C, p.Gly270Arg (NM_001008389.3, NM_001378232.1, NM_001378233.1 and 3 more transcripts); c.907G>C, p.Gly303Arg (NM_001278614.2); short protein forms G270R, G303R.
Identifiers: ClinVar variation 5001951 (VCV005001951.1).